The following is an entry in ClinVar:

ClinVar aggregate classification (germline): Pathogenic (1 of 4 stars; one submission).

Conditions:
Hereditary fructosuria. Also called: Hereditary fructose intolerance; ALDOB DEFICIENCY; ALDOLASE B DEFICIENCY; FRUCTOSE-1,6-BISPHOSPHATE ALDOLASE B DEFICIENCY; FRUCTOSE-1-PHOSPHATE ALDOLASE DEFICIENCY; FRUCTOSEMIA. Identifiers: Orphanet 469, MedGen C0016751, MONDO:0009249, OMIM 229600, HP:0005973. Disease mechanism: loss of function.

Submission:

Labcorp Genetics (formerly Invitae), Labcorp
Classification: Pathogenic for Hereditary fructosuria. Last evaluated: 2023-05-13. Review status: criteria provided, single submitter. Criteria: Invitae Variant Classification Sherloc (09022015). Collection method: clinical testing. Allele origin: germline.
Comment: This variant is not present in population databases (gnomAD no frequency). This sequence change creates a premature translational stop signal (p.Tyr138*) in the ALDOB gene. It is expected to result in an absent or disrupted protein product. Loss-of-function variants in ALDOB are known to be pathogenic (PMID: 18541450). This variant has not been reported in the literature in individuals affected with ALDOB-related conditions. For these reasons, this variant has been classified as Pathogenic.

Literature cited by the submitters: PubMed 18541450.

NM_000035.4(ALDOB):c.414C>A (p.Tyr138Ter)

Gene: ALDOB (aldolase, fructose-bisphosphate B; minus strand). Cytogenetic location: 9q31.1.
Variant type: single nucleotide variant.
Coding change: c.414C>A on transcript NM_000035.4 (MANE Select); coding-DNA position 414, C replaced by A.
Protein change: p.Tyr138Ter; replaces tyrosine 138 with a stop codon.
Molecular consequence: nonsense.
Genome position (GRCh38, 1-based): chr9:101,427,608, G>T on the plus strand (C>A on the coding strand, the complement: ALDOB is on the minus strand). VCF-style: chr9-101427608-G-T. GRCh37 (hg19) VCF-style: chr9-104189890-G-T.
Other names: short protein forms Y138*.
Identifiers: ClinVar variation 2853159 (VCV002853159.3), dbSNP rs2490124535, ClinGen allele CA374265415.